The following continues an entry in ClinVar:

NM_000059.4(BRCA2):c.7052C>G (p.Ala2351Gly)

Gene: BRCA2. ClinVar aggregate classification (germline): Benign/Likely benign. Benign (6); Likely benign (10).

Submissions 18 to 26 of 26:

Pathway Genomics
Classification: Likely benign for Breast-ovarian cancer, familial 2. Last evaluated: 2014-07-24. Review status: no assertion criteria provided. Collection method: clinical testing. Allele origin: germline. Not counted in ClinVar's aggregate classification.

ITMI
No classification provided. Condition: AllHighlyPenetrant. Last evaluated: 2013-09-19. Review status: no classification provided. Collection method: reference population. Allele origin: germline. Not counted in ClinVar's aggregate classification.
Comment: Please see associated publication for description of ethnicities

Sharing Clinical Reports Project (SCRP)
Classification: Benign for Breast-ovarian cancer, familial 2. Last evaluated: 2012-05-01. Review status: no assertion criteria provided. Collection method: clinical testing. Allele origin: germline. Not counted in ClinVar's aggregate classification.

Breast Cancer Information Core (BIC) (BRCA2)
Classification: Uncertain significance for Breast-ovarian cancer, familial 2. Last evaluated: 2002-05-29. Review status: no assertion criteria provided. Collection method: clinical testing. Allele origin: germline. Affected: yes. Observed: 6 variant alleles. Not counted in ClinVar's aggregate classification.

Center for Precision Medicine, Meizhou People's Hospital
Classification: Likely benign for Familial cancer of breast. Review status: no assertion criteria provided. Collection method: literature only. Allele origin: germline. Affected: yes. Not counted in ClinVar's aggregate classification.

Clinical Genetics Laboratory, Department of Pathology, Netherlands Cancer Institute
Classification: Likely benign. Review status: no assertion criteria provided. Collection method: clinical testing. Allele origin: germline. Affected: yes. Study: VKGL Data-share Consensus. Not counted in ClinVar's aggregate classification.

Department of Pathology and Laboratory Medicine, Sinai Health System
Classification: Benign for Malignant tumor of breast. Review status: no assertion criteria provided. Collection method: clinical testing. Allele origin: unknown. Affected: yes. Study: The Canadian Open Genetics Repository (COGR). Not counted in ClinVar's aggregate classification.

Joint Genome Diagnostic Labs from Nijmegen and Maastricht, Radboudumc and MUMC+
Classification: Likely benign. Review status: no assertion criteria provided. Collection method: clinical testing. Allele origin: germline. Affected: yes. Study: VKGL Data-share Consensus. Not counted in ClinVar's aggregate classification.

Laboratory of Diagnostic Genome Analysis, Leiden University Medical Center (LUMC)
Classification: Likely benign. Review status: no assertion criteria provided. Collection method: clinical testing. Allele origin: germline. Affected: yes. Study: VKGL Data-share Consensus. Not counted in ClinVar's aggregate classification.

Literature cited by the submitters: PubMed 35918668 (cited by Quest Diagnostics Nichols Institute San Juan Capistrano); PubMed 35641994 (cited by Quest Diagnostics Nichols Institute San Juan Capistrano); PubMed 27658390 (cited by 3 submitters); PubMed 29731985 (cited by Quest Diagnostics Nichols Institute San Juan Capistrano); PubMed 29240602 (cited by Quest Diagnostics Nichols Institute San Juan Capistrano); PubMed 28664449 (cited by 3 submitters); PubMed 27907908 (cited by 3 submitters); PubMed 28678401 (cited by Quest Diagnostics Nichols Institute San Juan Capistrano); PubMed 28222693 (cited by 3 submitters); PubMed 21990134 (cited by 4 submitters); PubMed 18824701 (cited by Quest Diagnostics Nichols Institute San Juan Capistrano and Women's Health and Genetics/Laboratory Corporation of America, LabCorp); PubMed 18951461 (cited by Quest Diagnostics Nichols Institute San Juan Capistrano); PubMed 17100994 (cited by 3 submitters); PubMed 24728327 (cited by 5 submitters); PubMed 21520273 (cited by Quest Diagnostics Nichols Institute San Juan Capistrano and Women's Health and Genetics/Laboratory Corporation of America, LabCorp); PubMed 21990165 (cited by 3 submitters); PubMed 18779604 (cited by 3 submitters); PubMed 18006916 (cited by 3 submitters); PubMed 21218378 (cited by Quest Diagnostics Nichols Institute San Juan Capistrano and Women's Health and Genetics/Laboratory Corporation of America, LabCorp); PubMed 16949048 (cited by Quest Diagnostics Nichols Institute San Juan Capistrano and Women's Health and Genetics/Laboratory Corporation of America, LabCorp); PubMed 21120943 (cited by Women's Health and Genetics/Laboratory Corporation of America, LabCorp); PubMed 20104584 (cited by Women's Health and Genetics/Laboratory Corporation of America, LabCorp).